The following is an entry in ClinVar:

NM_032043.3(BRIP1):c.2183A>T (p.Gln728Leu)

Gene: BRIP1 (BRCA1 interacting DNA helicase 1; minus strand). Cytogenetic location: 17q23.2.
Variant type: single nucleotide variant.
Coding change: c.2183A>T on transcript NM_032043.3 (MANE Select); coding-DNA position 2183, A replaced by T.
Protein change: p.Gln728Leu; replaces glutamine 728 with leucine.
Molecular consequence: missense variant.
Genome position (GRCh38, 1-based): chr17:61,744,506, T>A on the plus strand (A>T on the coding strand, the complement: BRIP1 is on the minus strand). VCF-style: chr17-61744506-T-A. GRCh37 (hg19) VCF-style: chr17-59821867-T-A.
Other names: short protein forms Q728L.
Identifiers: ClinVar variation 1498074 (VCV001498074.9), dbSNP rs2144697784, ClinGen allele CA400483068.

ClinVar aggregate classification (germline): Uncertain significance (1 of 4 stars; one submission).

Conditions:
Fanconi anemia complementation group J. Also called: BRIP1-Related Fanconi Anemia. Identifiers: Orphanet 84, MedGen C1836860, MONDO:0012187, OMIM 609054.
Familial cancer of breast. Also called: hereditary breast carcinoma; Hereditary breast cancer; BREAST CANCER, FAMILIAL. Identifiers: Orphanet 227535, MedGen C0346153, MONDO:0016419, OMIM 114480. Disease mechanism: loss of function.

Submission:

Labcorp Genetics (formerly Invitae), Labcorp
Classification: Uncertain significance for Familial cancer of breast; Fanconi anemia complementation group J. Last evaluated: 2020-11-11. Review status: criteria provided, single submitter. Criteria: Invitae Variant Classification Sherloc (09022015). Collection method: clinical testing. Allele origin: germline.
Comment: Algorithms developed to predict the effect of missense changes on protein structure and function are either unavailable or do not agree on the potential impact of this missense change (SIFT: "Deleterious"; PolyPhen-2: "Possibly Damaging"; Align-GVGD: "Class C0"). In summary, the available evidence is currently insufficient to determine the role of this variant in disease. Therefore, it has been classified as a Variant of Uncertain Significance. This sequence change replaces glutamine with leucine at codon 728 of the BRIP1 protein (p.Gln728Leu). The glutamine residue is moderately conserved and there is a moderate physicochemical difference between glutamine and leucine. This variant is not present in population databases (ExAC no frequency). This variant has not been reported in the literature in individuals with BRIP1-related conditions.